The following is an entry in ClinVar:

ClinVar aggregate classification (germline): Uncertain significance (1 of 4 stars; one submission).

Submission:

Women's Health and Genetics/Laboratory Corporation of America, LabCorp
Classification: Uncertain significance. Last evaluated: 2026-05-01. Review status: criteria provided, single submitter. Criteria: LabCorp Variant Classification Summary - May 2015. Collection method: clinical testing. Allele origin: germline.
Comment: Variant summary: The variant involves the deletion of exon 10 in the STS gene. A presumed nomenclature of c.(1363+1_1364-1)_(*4381_?)del has been designated for the purposes of this classification. The exact breakpoint at the distal 3' end of this variant is unknown, therefore this deletion may extend downstream of the annotated region of the gene. As it encompasses the termination codon, it is predicted to escape nonsense mediated decay (NMD). Loss-of-function variants in this gene are known to be pathogenic. The variant was absent in 16120 control chromosomes. The available data on variant occurrences in the general population are insufficient to allow any conclusion about variant significance. A deletion involving exon 10 has been observed in individuals affected with X-Linked Ichthyosis With Steryl-Sulfatase Deficiency, however in the study only exons 1, 5, and 10 were assayed and therefore it is unknown whether this deletion may have extended upstream to include exons 6-9 (Nomura_1995). Therefore, this report does not provide unequivocal conclusions about association of the variant with X-Linked Ichthyosis With Steryl-Sulfatase Deficiency. To our knowledge, no experimental evidence demonstrating an impact on protein function has been reported. The following publication have been ascertained in the context of this evaluation (PMID: 8615047). No submitters have cited clinical-significance assessments for this variant to ClinVar. Based on the evidence outlined above, the variant was classified as uncertain significance.

Literature cited by the submitters: PubMed 8615047.

NC_000023.10:g.(7252149_7267928)_(7272683_?)del

Gene: STS (steroid sulfatase; plus strand). Cytogenetic location: Xp22.31.
Variant type: Deletion.
Identifiers: ClinVar variation 4853617 (VCV004853617.1).